The following is an entry in ClinVar:

ClinVar aggregate classification (germline): Uncertain significance. Review status: criteria provided, multiple submitters, no conflicts (2 of 4 stars). 2 submissions from 2 submitters: Uncertain significance (2). Last evaluated 2024-04-15.

Conditions:
Fanconi anemia (FA). Also called: Fanconi's anemia. Identifiers: Orphanet 84, MedGen C0015625, MeSH D005199, MONDO:0019391.

Allele frequency attached by ClinVar (database versions not stated): gnomAD exomes below 0.00001; TOPMed 0.00001.
gnomAD v4.1: 4 of 1,613,808 alleles (0.00025%); highest among the groups gnomAD compares: Non-Finnish European, 0.00034%; no homozygotes.

Submissions (2):

Labcorp Genetics (formerly Invitae), Labcorp
Classification: Uncertain significance for Fanconi anemia. Last evaluated: 2024-04-15. Review status: criteria provided, single submitter. Criteria: Invitae Variant Classification Sherloc (09022015). Collection method: clinical testing. Allele origin: germline.
Comment: This sequence change replaces aspartic acid, which is acidic and polar, with valine, which is neutral and non-polar, at codon 1301 of the FANCM protein (p.Asp1301Val). This variant is present in population databases (no rsID available, gnomAD 0.002%). This missense change has been observed in individual(s) with breast or ovarian cancer (PMID: 29351780). ClinVar contains an entry for this variant (Variation ID: 844591). An algorithm developed to predict the effect of missense changes on protein structure and function (PolyPhen-2) suggests that this variant is likely to be tolerated. In summary, the available evidence is currently insufficient to determine the role of this variant in disease. Therefore, it has been classified as a Variant of Uncertain Significance.

GeneDx
Classification: Uncertain significance. Last evaluated: 2023-05-26. Review status: criteria provided, single submitter. Criteria: GeneDx Variant Classification Process June 2021. Collection method: clinical testing. Allele origin: germline. Affected: yes.
Comment: Not observed at significant frequency in large population cohorts (gnomAD); In silico analysis supports that this missense variant does not alter protein structure/function; Observed in an individual with a personal and/or family history of breast and ovarian cancer (Nguyen-Dumont et al., 2018); This variant is associated with the following publications: (PMID: 29351780)

Literature cited by the submitters: PubMed 29351780 (cited by Labcorp Genetics (formerly Invitae), Labcorp).

NM_020937.4(FANCM):c.3902A>T (p.Asp1301Val)

Gene: FANCM (FA complementation group M; plus strand). Cytogenetic location: 14q21.2.
Variant type: single nucleotide variant.
Coding change: c.3902A>T on transcript NM_020937.4 (MANE Select); coding-DNA position 3902, A replaced by T.
Protein change: p.Asp1301Val; replaces aspartic acid 1301 with valine.
Molecular consequence: missense variant.
Genome position (GRCh38, 1-based): chr14:45,176,656, A>T. VCF-style: chr14-45176656-A-T. GRCh37 (hg19) VCF-style: chr14-45645859-A-T.
Other names: c.3824A>T, p.Asp1275Val (NM_001308133.2); short protein forms D1275V, D1301V.
Identifiers: ClinVar variation 844591 (VCV000844591.10), dbSNP rs1183935509, ClinGen allele CA389603478.